The following is an entry in ClinVar:

ClinVar aggregate classification (germline): Likely benign. Review status: criteria provided, single submitter (1 of 4 stars). 2 submissions from 2 submitters: Likely benign (1). 1 of the submissions does not count toward it. Last evaluated 2025-08-07.

Conditions:
Neurodegeneration with brain iron accumulation 6 (NBIA6). Also called: COASY protein-associated neurodegeneration. Identifiers: Orphanet 397725, MedGen C4517377, MONDO:0014290, OMIM 615643.
COASY-related disorder. Also called: COASY-related condition.

Allele frequency attached by ClinVar (database versions not stated): ExAC 0.00002; gnomAD exomes 0.00002; TOPMed 0.00008; gnomAD 0.00009.
gnomAD v4.1: 39 of 1,614,042 alleles (0.0024%); highest among the groups gnomAD compares: African/African-American, 0.025%; no homozygotes.

Submissions (2):

Labcorp Genetics (formerly Invitae), Labcorp
Classification: Likely benign for Neurodegeneration with brain iron accumulation 6. Last evaluated: 2025-08-07. Review status: criteria provided, single submitter. Criteria: Invitae Variant Classification Sherloc (09022015). Collection method: clinical testing. Allele origin: germline.

PreventionGenetics, part of Exact Sciences
Classification: Likely benign for COASY-related condition. Last evaluated: 2019-04-11. Review status: no assertion criteria provided. Collection method: clinical testing. Allele origin: germline. Not counted in ClinVar's aggregate classification.
Comment: This variant is classified as likely benign based on ACMG/AMP sequence variant interpretation guidelines (Richards et al. 2015 PMID: 25741868, with internal and published modifications).

NM_025233.7(COASY):c.1413C>T (p.Ala471=)

Gene: COASY (Coenzyme A synthase; plus strand). Cytogenetic location: 17q21.2.
Variant type: single nucleotide variant.
Coding change: c.1413C>T on transcript NM_025233.7 (MANE Select); coding-DNA position 1413, C replaced by T.
Protein change: p.Ala471=; no amino-acid change (alanine 471 retained).
Molecular consequence: synonymous variant.
Genome position (GRCh38, 1-based): chr17:42,565,496, C>T. VCF-style: chr17-42565496-C-T. GRCh37 (hg19) VCF-style: chr17-40717514-C-T.
Other names: c.1413C>T (NM_025233.6); c.1413C>T, p.Ala471= (NM_001042529.3); c.1500C>T, p.Ala500= (NM_001042532.4).
Identifiers: ClinVar variation 1671423 (VCV001671423.10), dbSNP rs751893869, ClinGen allele CA8578331.